The following is an entry in ClinVar:

NM_001903.5(CTNNA1):c.2011-14G>A

Gene: CTNNA1 (catenin alpha 1; plus strand). Cytogenetic location: 5q31.2.
Variant type: single nucleotide variant.
Coding change: c.2011-14G>A on transcript NM_001903.5 (MANE Select); 14 bases into the intron before coding-DNA position 2011, G replaced by A.
Molecular consequence: intron variant.
Genome position (GRCh38, 1-based): chr5:138,930,459, G>A. VCF-style: chr5-138930459-G-A. GRCh37 (hg19) VCF-style: chr5-138266148-G-A.
Other names: c.2011-14G>A (NM_001323982.2, NM_001323984.2, NM_001290307.3 and 2 more transcripts); c.1918-14G>A (NM_001323986.2); c.1642-14G>A (NM_001290310.3); c.1702-14G>A (NM_001290309.3); c.901-14G>A (NM_001323996.1, NM_001323993.1, NM_001324005.1 and 17 more transcripts); c.562-14G>A (NM_001324007.1, NM_001324009.1, NM_001324006.1 and 2 more transcripts); c.658-14G>A (NM_001324013.1, NM_001324012.1); c.808-14G>A (NM_001324011.1).
Identifiers: ClinVar variation 1548544 (VCV001548544.11), dbSNP rs769526707, ClinGen allele CA3432102.
Genomic context (GRCh38, chr5:138,930,459, plus strand): 5'-AATATTCTTGGCTAATGCACTCTGAGAACTTCATATTCTTTTTATGTAAGAGCTCTTTGT[G>A]CTTCTGATCACAGGCGATCATGGCTCAGCTTCCCCAGGAGCAAAAAGCGAAGATTGCGGA-3'

ClinVar aggregate classification (germline): Likely benign. Review status: criteria provided, multiple submitters, no conflicts (2 of 4 stars). 4 submissions from 4 submitters: Likely benign (4). Last evaluated 2026-01-21.

Conditions:
Hereditary diffuse gastric adenocarcinoma (HDGC). Also called: DIFFUSE GASTRIC AND LOBULAR BREAST CANCER SYNDROME. Identifiers: Orphanet 26106, MedGen C1708349, MONDO:0007648, OMIM 137215.

Allele frequency attached by ClinVar (database versions not stated): gnomAD exomes 0.00001 and 0.00003; ExAC 0.00002; gnomAD 0.00002; TOPMed 0.00002.
gnomAD v4.1: 20 of 1,594,572 alleles (0.0013%); highest among the groups gnomAD compares: East Asian, 0.042%; no homozygotes.

Submissions (4):

Labcorp Genetics (formerly Invitae), Labcorp
Classification: Likely benign. Last evaluated: 2026-01-21. Review status: criteria provided, single submitter. Criteria: Invitae Variant Classification Sherloc (09022015). Collection method: clinical testing. Allele origin: germline.

Center for Genomic Medicine, Rigshospitalet, Copenhagen University Hospital
Classification: Likely benign. Last evaluated: 2025-12-29. Review status: criteria provided, single submitter. Criteria: ACMG Guidelines, 2015. Collection method: clinical testing. Allele origin: germline.

Myriad Genetics, Inc.
Classification: Likely benign for Hereditary diffuse gastric adenocarcinoma. Last evaluated: 2024-10-14. Review status: criteria provided, single submitter. Criteria: Myriad Autosomal Dominant, Autosomal Recessive and X-Linked Classification Criteria (2023). Collection method: clinical testing. Allele origin: unknown.
Comment: This variant is considered likely benign. This variant is intronic and is not expected to impact mRNA splicing.

Breakthrough Genomics
Classification: Likely benign. Review status: criteria provided, single submitter. Criteria: ACMG Guidelines, 2015. Collection method: not provided. Allele origin: germline. Inheritance: Autosomal dominant inheritance. Affected: yes.